The following is an entry in ClinVar:

ClinVar aggregate classification (germline): Likely benign. Review status: criteria provided, single submitter (1 of 4 stars). 2 submissions from 2 submitters: Likely benign (1). 1 of the submissions does not count toward it. Last evaluated 2025-07-25.

Conditions:
DSCAML1-related disorder. Also called: DSCAML1-related condition.

Allele frequency attached by ClinVar (database versions not stated): gnomAD exomes 0.00003; ExAC 0.00006; ESP Exome Variant Server 0.00015; gnomAD 0.00004.

Submissions (2):

Labcorp Genetics (formerly Invitae), Labcorp
Classification: Likely benign. Last evaluated: 2025-07-25. Review status: criteria provided, single submitter. Criteria: Invitae Variant Classification Sherloc (09022015). Collection method: clinical testing. Allele origin: germline.

PreventionGenetics, part of Exact Sciences
Classification: Likely benign for DSCAML1-related condition. Last evaluated: 2019-06-26. Review status: no assertion criteria provided. Collection method: clinical testing. Allele origin: germline. Not counted in ClinVar's aggregate classification.
Comment: This variant is classified as likely benign based on ACMG/AMP sequence variant interpretation guidelines (Richards et al. 2015 PMID: 25741868, with internal and published modifications).

NM_020693.4(DSCAML1):c.4785C>T (p.Ile1595=)

Gene: DSCAML1 (DS cell adhesion molecule like 1; minus strand). Cytogenetic location: 11q23.3.
Variant type: single nucleotide variant.
Coding change: c.4785C>T on transcript NM_020693.4 (MANE Select); coding-DNA position 4785, C replaced by T.
Protein change: p.Ile1595=; no amino-acid change (isoleucine 1595 retained).
Molecular consequence: synonymous variant.
Genome position (GRCh38, 1-based): chr11:117,435,735, G>A on the plus strand (C>T on the coding strand, the complement: DSCAML1 is on the minus strand). VCF-style: chr11-117435735-G-A. GRCh37 (hg19) VCF-style: chr11-117306451-G-A.
Other names: c.4965C>T (NM_020693.3).
Identifiers: ClinVar variation 2888272 (VCV002888272.5), dbSNP rs149121069, ClinGen allele CA6296267.